The following is an entry in ClinVar:

NM_001849.4(COL6A2):c.1816+3G>A

Gene: COL6A2 (collagen type VI alpha 2 chain; plus strand). Cytogenetic location: 21q22.3.
Variant type: single nucleotide variant.
Coding change: c.1816+3G>A on transcript NM_001849.4 (MANE Select); 3 bases into the intron after coding-DNA position 1816, G replaced by A.
Molecular consequence: intron variant.
Genome position (GRCh38, 1-based): chr21:46,125,314, G>A. VCF-style: chr21-46125314-G-A. GRCh37 (hg19) VCF-style: chr21-47545228-G-A.
Other names: c.1816+3G>A (NM_058175.3, NM_058174.3).
Identifiers: ClinVar variation 1907550 (VCV001907550.5), dbSNP rs1268439578, ClinGen allele CA749813509.

ClinVar aggregate classification (germline): Uncertain significance (1 of 4 stars; one submission).

Conditions:
Bethlem myopathy 1A. Also called: Bethlem myopathy 1; MYOPATHY, BENIGN CONGENITAL, WITH CONTRACTURES; Bethlem Muscular Dystrophy. Identifiers: Orphanet 610, MedGen CN029274, MONDO:0024530, OMIM 158810.

Allele frequency attached by ClinVar (database versions not stated): TOPMed 0.00002; gnomAD 0.00003.
gnomAD v4.1: 4 of 1,610,636 alleles (0.00025%); highest among the groups gnomAD compares: African/African-American, 0.004%; no homozygotes.

Submission:

Labcorp Genetics (formerly Invitae), Labcorp
Classification: Uncertain significance for Bethlem myopathy 1A. Last evaluated: 2022-10-25. Review status: criteria provided, single submitter. Criteria: Invitae Variant Classification Sherloc (09022015). Collection method: clinical testing. Allele origin: germline.
Comment: This sequence change falls in intron 24 of the COL6A2 gene. It does not directly change the encoded amino acid sequence of the COL6A2 protein. It affects a nucleotide within the consensus splice site. This variant is not present in population databases (gnomAD no frequency). This variant has not been reported in the literature in individuals affected with COL6A2-related conditions. Variants that disrupt the consensus splice site are a relatively common cause of aberrant splicing (PMID: 17576681, 9536098). Algorithms developed to predict the effect of sequence changes on RNA splicing suggest that this variant is not likely to affect RNA splicing. In summary, the available evidence is currently insufficient to determine the role of this variant in disease. Therefore, it has been classified as a Variant of Uncertain Significance.

Literature cited by the submitters: PubMed 17576681; PubMed 9536098.